The following is an entry in ClinVar:

ClinVar aggregate classification (germline): Uncertain significance (1 of 4 stars; one submission).

Conditions:
Mosaic variegated aneuploidy syndrome 1 (MVA1). Also called: Warburton-Anyane-Yeboa syndrome. Identifiers: Orphanet 1052, MedGen C1850343, MONDO:0009759, OMIM 257300.

Submission:

Labcorp Genetics (formerly Invitae), Labcorp
Classification: Uncertain significance for Mosaic variegated aneuploidy syndrome 1. Last evaluated: 2024-01-19. Review status: criteria provided, single submitter. Criteria: Invitae Variant Classification Sherloc (09022015). Collection method: clinical testing. Allele origin: germline.
Comment: This sequence change replaces alanine, which is neutral and non-polar, with glycine, which is neutral and non-polar, at codon 957 of the BUB1B protein (p.Ala957Gly). This variant is not present in population databases (gnomAD no frequency). This variant has not been reported in the literature in individuals affected with BUB1B-related conditions. ClinVar contains an entry for this variant (Variation ID: 1718739). An algorithm developed to predict the effect of missense changes on protein structure and function (PolyPhen-2) suggests that this variant is likely to be disruptive. In summary, the available evidence is currently insufficient to determine the role of this variant in disease. Therefore, it has been classified as a Variant of Uncertain Significance.

NM_001211.6(BUB1B):c.2870C>G (p.Ala957Gly)

Genes: BUB1B (BUB1 mitotic checkpoint serine/threonine kinase B; plus strand), BUB1B-PAK6 (BUB1B-PAK6 readthrough; plus strand). Cytogenetic location: 15q15.1.
Variant type: single nucleotide variant.
Coding change: c.2870C>G on transcript NM_001211.6 (MANE Select); coding-DNA position 2870, C replaced by G.
Protein change: p.Ala957Gly; replaces alanine 957 with glycine.
Molecular consequence: missense variant. On other transcripts: intron variant (2).
Genome position (GRCh38, 1-based): chr15:40,218,475, C>G. VCF-style: chr15-40218475-C-G. GRCh37 (hg19) VCF-style: chr15-40510676-C-G.
Other names: c.-201+808C>G (NM_001128628.3); c.-118+808C>G (NM_001128629.3); short protein forms A957G.
Identifiers: ClinVar variation 1718739 (VCV001718739.5), dbSNP rs2542587498, ClinGen allele CA391688216.